The following is an entry in ClinVar:

NM_001723.7(DST):c.3564G>C (p.Arg1188Ser)

Gene: DST (dystonin; minus strand). Cytogenetic location: 6p12.1.
Variant type: single nucleotide variant.
Coding change: c.3564G>C on transcript NM_001723.7 (MANE Plus Clinical); coding-DNA position 3564, G replaced by C.
Protein change: p.Arg1188Ser; replaces arginine 1188 with serine.
Molecular consequence: missense variant. On other transcripts: intron variant (10).
Genome position (GRCh38, 1-based): chr6:56,620,470, C>G on the plus strand (G>C on the coding strand, the complement: DST is on the minus strand). VCF-style: chr6-56620470-C-G. GRCh37 (hg19) VCF-style: chr6-56485268-C-G.
Other names: c.4830+4060G>C (NM_001144769.5); c.4929+4060G>C (NM_001374722.1, NM_001374736.1); c.4956+4060G>C (NM_001374734.1); c.4416+4060G>C (NM_001144770.2); c.4296+4060G>C (NM_001374730.1, NM_001386100.1, NM_183380.4 and 1 more transcripts); c.3318+4060G>C (NM_015548.5); short protein forms R1188S.
Identifiers: ClinVar variation 2108072 (VCV002108072.4), dbSNP rs2098679765, ClinGen allele CA364571623.
Genomic context (GRCh38, chr6:56,620,470, plus strand): 5'-TTCCTTCTCTCTCACAATGGTTTCAAGTTCCCTGCGGTACTGCTTGGCTTCACTTTCAGC[C>G]CTTATCTTCTGCAGAGAGATATCTTCTACATTTCTCTGCTGCTTTCTCAATTCATTTTCT-3'
Protein context (NP_001714.1, residues 1178-1198): NVEDISLQKI[Arg1188Ser]AESEAKQYRR

ClinVar aggregate classification (germline): Uncertain significance (1 of 4 stars; one submission).

Conditions:
Epidermolysis bullosa simplex 3, localized or generalized intermediate, with BP230 deficiency (EBS3). Also called: Epidermolysis bullosa simplex due to BP230 deficiency; Epidermolysis bullosa simplex, autosomal recessive 2. Identifiers: Orphanet 412181, MedGen C3809470, MONDO:0014180, OMIM 615425.
Hereditary sensory and autonomic neuropathy type 6. Also called: Neuropathy, hereditary sensory and autonomic, type VI; HSAN VI. Identifiers: Orphanet 314381, MedGen C3539003, MONDO:0013839, OMIM 614653.

Submission:

Labcorp Genetics (formerly Invitae), Labcorp
Classification: Uncertain significance for Epidermolysis bullosa simplex 3, localized or generalized intermediate, with BP230 deficiency; Hereditary sensory and autonomic neuropathy type 6. Last evaluated: 2022-03-09. Review status: criteria provided, single submitter. Criteria: Invitae Variant Classification Sherloc (09022015). Collection method: clinical testing. Allele origin: germline.
Comment: This sequence change replaces arginine, which is basic and polar, with serine, which is neutral and polar, at codon 1188 of the DST protein (p.Arg1188Ser). Algorithms developed to predict the effect of missense changes on protein structure and function (SIFT, PolyPhen-2, Align-GVGD) all suggest that this variant is likely to be tolerated. In summary, the available evidence is currently insufficient to determine the role of this variant in disease. Therefore, it has been classified as a Variant of Uncertain Significance. This variant has not been reported in the literature in individuals affected with DST-related conditions. This variant is not present in population databases (gnomAD no frequency).